The following is an entry in ClinVar:

NM_015021.3(ZNF292):c.184G>A (p.Ala62Thr)

Gene: ZNF292 (zinc finger protein 292; plus strand). Cytogenetic location: 6q14.3.
Variant type: single nucleotide variant.
Coding change: c.184G>A on transcript NM_015021.3 (MANE Select); coding-DNA position 184, G replaced by A.
Protein change: p.Ala62Thr; replaces alanine 62 with threonine.
Molecular consequence: missense variant. On other transcripts: 5 prime UTR variant (1).
Genome position (GRCh38, 1-based): chr6:87,215,918, G>A. VCF-style: chr6-87215918-G-A. GRCh37 (hg19) VCF-style: chr6-87925636-G-A.
Other names: c.-237G>A (NM_001351444.2); short protein forms A62T.
Identifiers: ClinVar variation 2632148 (VCV002632148.2), dbSNP rs1216473967, ClinGen allele CA364918209.

ClinVar aggregate classification (germline): Uncertain significance (0 of 4 stars; one submission).

Conditions:
ZNF292-related disorder. Also called: ZNF292-related condition.

Allele frequency attached by ClinVar (database versions not stated): gnomAD exomes below 0.00001; TOPMed below 0.00001; gnomAD 0.00001.
gnomAD v4.1: 6 of 1,598,742 alleles (0.00038%); highest among the groups gnomAD compares: Non-Finnish European, 0.00051%; no homozygotes.

Submission:

PreventionGenetics, part of Exact Sciences
Classification: Uncertain significance for ZNF292-related condition. Last evaluated: 2024-06-13. Review status: no assertion criteria provided. Collection method: clinical testing. Allele origin: germline.
Comment: The ZNF292 c.184G>A variant is predicted to result in the amino acid substitution p.Ala62Thr. To our knowledge, this variant has not been reported in the literature or in a large population database, indicating this variant is rare. At this time, the clinical significance of this variant is uncertain due to the absence of conclusive functional and genetic evidence.